The following is an entry in ClinVar:

NM_018238.4(AGK):c.412C>T (p.Arg138Ter)

Gene: AGK (acylglycerol kinase; plus strand). Cytogenetic location: 7q34.
Variant type: single nucleotide variant.
Coding change: c.412C>T on transcript NM_018238.4 (MANE Select); coding-DNA position 412, C replaced by T.
Protein change: p.Arg138Ter; replaces arginine 138 with a stop codon.
Molecular consequence: nonsense.
Genome position (GRCh38, 1-based): chr7:141,614,167, C>T. VCF-style: chr7-141614167-C-T. GRCh37 (hg19) VCF-style: chr7-141313967-C-T.
Other names: c.412C>T, p.Arg138Ter (NM_001364948.3); c.412C>T (NM_018238.3); short protein forms R138*.
Identifiers: ClinVar variation 1351396 (VCV001351396.7), dbSNP rs1199705359, ClinGen allele CA369550532.
Genomic context (GRCh38, chr7:141,614,167, plus strand): 5'-CATATTATTTATAACAATGTTTTATTATTACATTTGTAGGTTGTTACTGGTGTTCTTCGA[C>T]GAACAGATGAGGTGAGCATTAAAGAGTAATTGCATTTTAACTTTTATTTTTCTGTTCTTT-3'

ClinVar aggregate classification (germline): Pathogenic. Review status: criteria provided, multiple submitters, no conflicts (2 of 4 stars). 2 submissions from 2 submitters: Pathogenic (2). Last evaluated 2024-04-05.

Conditions:
Inborn genetic diseases. Identifiers: MedGen C0950123, MeSH D030342.
Cataract 38. Also called: Cataract 38, autosomal recessive; Cataract, autosomal recessive congenital 5. Identifiers: Orphanet 91492, MedGen C3553494, MONDO:0013859, OMIM 614691.
Sengers syndrome. Also called: MITOCHONDRIAL DNA DEPLETION SYNDROME 10 (CARDIOMYOPATHIC TYPE); Cardiomyopathy and cataract. Identifiers: Orphanet 1369, MedGen C1859317, MONDO:0008922, OMIM 212350.

Allele frequency attached by ClinVar (database versions not stated): gnomAD exomes below 0.00001 and 0.00002; gnomAD 0.00001.
gnomAD v4.1: 30 of 1,536,086 alleles (0.002%); highest among the groups gnomAD compares: Non-Finnish European, 0.0025%; no homozygotes.

Submissions (2):

Ambry Genetics
Classification: Pathogenic for Inborn genetic diseases. Last evaluated: 2024-04-05. Review status: criteria provided, single submitter. Criteria: Ambry Variant Classification Scheme 2023. Collection method: clinical testing. Allele origin: germline.
Comment: The c.412C>T (p.R138*) alteration, located in exon 7 (coding exon 6) of the AGK gene, consists of a C to T substitution at nucleotide position 412. This changes the amino acid from a arginine (R) to a stop codon at amino acid position 138. This alteration is expected to result in loss of function by premature protein truncation or nonsense-mediated mRNA decay. This allele was reported in one heterozygous individual in population-based cohorts in the Genome Aggregation Database (gnomAD). This variant has been identified in the homozygous state and/or in conjunction with other AGK variants in individuals with features consistent with Sengers syndrome (Mayr, 2012; Plutino, 2018). Based on the available evidence, this alteration is classified as pathogenic.

Labcorp Genetics (formerly Invitae), Labcorp
Classification: Pathogenic for Sengers syndrome; Cataract 38. Last evaluated: 2023-06-10. Review status: criteria provided, single submitter. Criteria: Invitae Variant Classification Sherloc (09022015). Collection method: clinical testing. Allele origin: germline.
Comment: For these reasons, this variant has been classified as Pathogenic. ClinVar contains an entry for this variant (Variation ID: 1351396). This premature translational stop signal has been observed in individual(s) with Sengers syndrome (PMID: 22284826). The frequency data for this variant in the population databases is considered unreliable, as metrics indicate poor data quality at this position in the gnomAD database. This sequence change creates a premature translational stop signal (p.Arg138*) in the AGK gene. It is expected to result in an absent or disrupted protein product. Loss-of-function variants in AGK are known to be pathogenic (PMID: 22284826).

Literature cited by the submitters: PubMed 22284826 (cited by Ambry Genetics and Labcorp Genetics (formerly Invitae), Labcorp); PubMed 29625556 (cited by Ambry Genetics).